The following is an entry in ClinVar:

NM_006384.4(CIB1):c.418G>A (p.Glu140Lys)

Gene: CIB1 (calcium and integrin binding 1; minus strand). Cytogenetic location: 15q26.1.
Variant type: single nucleotide variant.
Coding change: c.418G>A on transcript NM_006384.4 (MANE Select); coding-DNA position 418, G replaced by A.
Protein change: p.Glu140Lys; replaces glutamic acid 140 with lysine.
Molecular consequence: missense variant. On other transcripts: non-coding transcript variant (2).
Genome position (GRCh38, 1-based): chr15:90,231,142, C>T on the plus strand (G>A on the coding strand, the complement: CIB1 is on the minus strand). VCF-style: chr15-90231142-C-T. GRCh37 (hg19) VCF-style: chr15-90774374-C-T.
Other names: c.538G>A, p.Glu180Lys (NM_001277764.2); c.418G>A (NM_006384.3); short protein forms E180K, E140K.
Identifiers: ClinVar variation 1470143 (VCV001470143.7), dbSNP rs765061684, ClinGen allele CA7734187.

ClinVar aggregate classification (germline): Uncertain significance. Review status: criteria provided, multiple submitters, no conflicts (2 of 4 stars). 2 submissions from 2 submitters: Uncertain significance (2). Last evaluated 2023-06-07.

Allele frequency attached by ClinVar (database versions not stated): gnomAD 0.00001; gnomAD exomes 0.00001 and 0.00003; ExAC 0.00002; TOPMed 0.00002.

Submissions (2):

Ambry Genetics
Classification: Uncertain significance. Last evaluated: 2023-06-07. Review status: criteria provided, single submitter. Criteria: Ambry Variant Classification Scheme 2023. Collection method: clinical testing. Allele origin: germline.

Labcorp Genetics (formerly Invitae), Labcorp
Classification: Uncertain significance. Last evaluated: 2022-02-05. Review status: criteria provided, single submitter. Criteria: Invitae Variant Classification Sherloc (09022015). Collection method: clinical testing. Allele origin: germline.
Comment: This sequence change replaces glutamic acid, which is acidic and polar, with lysine, which is basic and polar, at codon 180 of the CIB1 protein (p.Glu180Lys). This variant is present in population databases (rs765061684, gnomAD 0.005%). This variant has not been reported in the literature in individuals affected with CIB1-related conditions. Algorithms developed to predict the effect of missense changes on protein structure and function are either unavailable or do not agree on the potential impact of this missense change (SIFT: "Tolerated"; PolyPhen-2: "Not Available"; Align-GVGD: "Class C0"). In summary, the available evidence is currently insufficient to determine the role of this variant in disease. Therefore, it has been classified as a Variant of Uncertain Significance.